The following is an entry in ClinVar:

ClinVar aggregate classification (germline): Conflicting classifications of pathogenicity. Review status: criteria provided, conflicting classifications (1 of 4 stars). 3 submissions from 3 submitters: Uncertain significance (1); Likely benign (2). Last evaluated 2026-10-01.

Conditions:
Hereditary spastic paraplegia 7 (SPG7). Also called: Autosomal recessive spastic paraplegia type 7; SPASTIC PARAPLEGIA 7, AUTOSOMAL RECESSIVE, WITH OR WITHOUT CEREBELLAR ATAXIA; Spastic paraplegia 7; Hereditary spastic paraplegia Paraplegin type; SPG7-related neurologic disorder. Identifiers: Orphanet 99013, MedGen C1846564, MONDO:0011803, OMIM 607259.

Allele frequency attached by ClinVar (database versions not stated): ExAC 0.00004; gnomAD 0.00005 and 0.00006; gnomAD exomes 0.00005 and 0.00013; ESP Exome Variant Server 0.00008; TOPMed 0.00008.
gnomAD v4.1: 196 of 1,613,666 alleles (0.012%); highest among the groups gnomAD compares: Non-Finnish European, 0.016%; no homozygotes.

Submissions (3):

CeGaT Center for Human Genetics Tuebingen
Classification: Likely benign. Last evaluated: 2026-10-01. Review status: criteria provided, single submitter. Criteria: CeGaT Center For Human Genetics Tuebingen Variant Classification Criteria Version 2. Collection method: clinical testing. Allele origin: germline. Affected: yes. Observed: 1 variant allele.
Comment: SPG7: BP4, BP7

Labcorp Genetics (formerly Invitae), Labcorp
Classification: Likely benign for Hereditary spastic paraplegia 7. Last evaluated: 2025-03-13. Review status: criteria provided, single submitter. Criteria: Invitae Variant Classification Sherloc (09022015). Collection method: clinical testing. Allele origin: germline.

Illumina Laboratory Services, Illumina
Classification: Uncertain significance for Hereditary spastic paraplegia 7. Last evaluated: 2018-01-12. Review status: criteria provided, single submitter. Criteria: ICSL Variant Classification Criteria 13 December 2019. Collection method: clinical testing. Allele origin: germline.

NM_003119.4(SPG7):c.1236G>A (p.Ala412=)

Gene: SPG7 (SPG7 matrix AAA peptidase subunit, paraplegin; plus strand). Cytogenetic location: 16q24.3.
Variant type: single nucleotide variant.
Coding change: c.1236G>A on transcript NM_003119.4 (MANE Select); coding-DNA position 1236, G replaced by A.
Protein change: p.Ala412=; no amino-acid change (alanine 412 retained).
Molecular consequence: synonymous variant.
Genome position (GRCh38, 1-based): chr16:89,532,548, G>A. VCF-style: chr16-89532548-G-A. GRCh37 (hg19) VCF-style: chr16-89598956-G-A.
Other names: c.1236G>A, p.Ala412= (NM_001363850.1, NM_199367.3).
Identifiers: ClinVar variation 886111 (VCV000886111.9), dbSNP rs201129878, ClinGen allele CA8244006.
Genomic context (GRCh38, chr16:89,532,548, plus strand): 5'-CCTCTTTAAGGAAGCCCGAGCCCGGGCCCCCTGCATCGTCTACATCGATGAGATCGACGC[G>A]GTGGGCAAGAAGCGCTCCACCACCATGTCCGGCTTCTCCAACACGGAGGAGGAGCAGACG-3'
Protein context (NP_003110.1, residues 402-422): PCIVYIDEID[Ala412=]VGKKRSTTMS